The following is an entry in ClinVar:

NM_015168.2(ZC3H4):c.3612C>T (p.Ala1204=)

Gene: ZC3H4 (zinc finger CCCH-type containing 4; minus strand). Cytogenetic location: 19q13.32.
Variant type: single nucleotide variant.
Coding change: c.3612C>T on transcript NM_015168.2 (MANE Select); coding-DNA position 3612, C replaced by T.
Protein change: p.Ala1204=; no amino-acid change (alanine 1204 retained).
Molecular consequence: synonymous variant.
Genome position (GRCh38, 1-based): chr19:47,066,656, G>A on the plus strand (C>T on the coding strand, the complement: ZC3H4 is on the minus strand). VCF-style: chr19-47066656-G-A. GRCh37 (hg19) VCF-style: chr19-47569913-G-A.
Identifiers: ClinVar variation 3034160 (VCV003034160.2), dbSNP rs147880083, ClinGen allele CA9534552.
Genomic context (GRCh38, chr19:47,066,656, plus strand): 5'-CTTGGGCCGGGGCCGGTTGTAGCTGTTGTATCTGTCCGTGGGGGTGCCCCCATCAGCACC[G>A]GCCTTCCCTGTCTCTGGCTGTTCCAGGGCAGACTTGCGGACGAACGGGGGCTCCTTAGCC-3'
Protein context (NP_055983.1, residues 1194-1214): SALEQPETGK[Ala1204=]GADGGTPTDR

ClinVar aggregate classification (germline): Benign (0 of 4 stars; one submission).

Conditions:
ZC3H4-related disorder. Also called: ZC3H4-related condition.

Allele frequency attached by ClinVar (database versions not stated): ESP Exome Variant Server 0.00009; 1000 Genomes Project 30x 0.00297; 1000 Genomes Project 0.00319.
gnomAD v4.1: 1,270 of 1,611,784 alleles (0.079%); highest among the groups gnomAD compares: Admixed American, 1.9%; 15 homozygotes.

Submission:

PreventionGenetics, part of Exact Sciences
Classification: Benign for ZC3H4-related condition. Last evaluated: 2019-12-24. Review status: no assertion criteria provided. Collection method: clinical testing. Allele origin: germline.
Comment: This variant is classified as benign based on ACMG/AMP sequence variant interpretation guidelines (Richards et al. 2015 PMID: 25741868, with internal and published modifications).